The following is an entry in ClinVar:

ClinVar aggregate classification (germline): Uncertain significance (1 of 4 stars; one submission).

gnomAD v4.1: 34 of 1,597,722 alleles (0.0021%); highest among the groups gnomAD compares: Non-Finnish European, 0.0026%; no homozygotes.

Submission:

Labcorp Genetics (formerly Invitae), Labcorp
Classification: Uncertain significance. Last evaluated: 2024-04-23. Review status: criteria provided, single submitter. Criteria: Invitae Variant Classification Sherloc (09022015). Collection method: clinical testing. Allele origin: germline.
Comment: This sequence change falls in intron 42 of the MYH7B gene. It does not directly change the encoded amino acid sequence of the MYH7B protein. It affects a nucleotide within the consensus splice site. This variant is present in population databases (rs779992988, gnomAD 0.01%). This variant has not been reported in the literature in individuals affected with MYH7B-related conditions. Variants that disrupt the consensus splice site are a relatively common cause of aberrant splicing (PMID: 17576681, 9536098). Algorithms developed to predict the effect of sequence changes on RNA splicing suggest that this variant is not likely to affect RNA splicing. In summary, the available evidence is currently insufficient to determine the role of this variant in disease. Therefore, it has been classified as a Variant of Uncertain Significance.

Literature cited by the submitters: PubMed 17576681; PubMed 9536098.

NM_020884.7(MYH7B):c.5581-3C>T

Gene: MYH7B (myosin heavy chain 7B; plus strand). Cytogenetic location: 20q11.22.
Variant type: single nucleotide variant.
Coding change: c.5581-3C>T on transcript NM_020884.7 (MANE Select); 3 bases into the intron before coding-DNA position 5581, C replaced by T.
Molecular consequence: intron variant.
Genome position (GRCh38, 1-based): chr20:35,001,428, C>T. VCF-style: chr20-35001428-C-T. GRCh37 (hg19) VCF-style: chr20-33589231-C-T.
Identifiers: ClinVar variation 3706599 (VCV003706599.2).
Genomic context (GRCh38, chr20:35,001,428, plus strand): 5'-CTGGGGAGTGGCCCTGGAGCTGGCCCAGCCCAAGCAAGCCCTGAGTCCCCCTTGCCCGCC[C>T]AGGCCGAGGAGGACAGGAAGAACCTGGCTCGCATGCAGGACCTGGTGGACAAGCTGCAGA-3'